The following is an entry in ClinVar:

ClinVar aggregate classification (germline): Conflicting classifications of pathogenicity. Review status: criteria provided, conflicting classifications (1 of 4 stars). 2 submissions from 2 submitters: Likely pathogenic (1); Uncertain significance (1). Last evaluated 2025-07-01.

Conditions:
MERTK-related disorder. Also called: MERTK-related condition.

Allele frequency attached by ClinVar (database versions not stated): gnomAD exomes below 0.00001 and 0.00001; ExAC 0.00001; gnomAD 0.00002; TOPMed 0.00003.

Submissions (2):

Labcorp Genetics (formerly Invitae), Labcorp
Classification: Uncertain significance. Last evaluated: 2025-07-01. Review status: criteria provided, single submitter. Criteria: Invitae Variant Classification Sherloc (09022015). Collection method: clinical testing. Allele origin: germline.
Comment: This sequence change replaces leucine, which is neutral and non-polar, with proline, which is neutral and non-polar, at codon 720 of the MERTK protein (p.Leu720Pro). This variant is present in population databases (rs756205527, gnomAD 0.004%). This variant has not been reported in the literature in individuals affected with MERTK-related conditions. ClinVar contains an entry for this variant (Variation ID: 846255). Invitae Evidence Modeling of protein sequence and biophysical properties (such as structural, functional, and spatial information, amino acid conservation, physicochemical variation, residue mobility, and thermodynamic stability) has been performed for this missense variant. However, the output from this modeling did not meet the statistical confidence thresholds required to predict the impact of this variant on MERTK protein function. In summary, the available evidence is currently insufficient to determine the role of this variant in disease. Therefore, it has been classified as a Variant of Uncertain Significance.

Blueprint Genetics
Classification: Likely pathogenic for MERTK-related disorders. Last evaluated: 2020-03-11. Review status: criteria provided, single submitter. Criteria: ACMG Guidelines, 2015. Collection method: clinical testing. Allele origin: germline. Affected: yes. Observed: 4 variant alleles.

NM_006343.3(MERTK):c.2159T>C (p.Leu720Pro)

Gene: MERTK (MER proto-oncogene, tyrosine kinase; plus strand). Cytogenetic location: 2q13.
Variant type: single nucleotide variant.
Coding change: c.2159T>C on transcript NM_006343.3 (MANE Select); coding-DNA position 2159, T replaced by C.
Protein change: p.Leu720Pro; replaces leucine 720 with proline.
Molecular consequence: missense variant.
Genome position (GRCh38, 1-based): chr2:112,019,492, T>C. VCF-style: chr2-112019492-T-C. GRCh37 (hg19) VCF-style: chr2-112777069-T-C.
Other names: short protein forms L720P.
Identifiers: ClinVar variation 846255 (VCV000846255.12), dbSNP rs756205527, ClinGen allele CA1831724.
Genomic context (GRCh38, chr2:112,019,492, plus strand): 5'-TATTGAAGTTCATGGTGGATATTGCCCTGGGAATGGAGTATCTGAGCAACAGGAATTTTC[T>C]TCATCGAGATTTAGCTGCTCGAAACTGCATGTAAGAGTCCTCGGCTATCCTGGAAGGGTT-3'
Protein context (NP_006334.2, residues 710-730): GMEYLSNRNF[Leu720Pro]HRDLAARNCM